The following is an entry in ClinVar:

NM_001278716.2(FBXL4):c.1569G>A (p.Gly523=)

Gene: FBXL4 (F-box and leucine rich repeat protein 4; minus strand). Cytogenetic location: 6q16.1.
Variant type: single nucleotide variant.
Coding change: c.1569G>A on transcript NM_001278716.2 (MANE Select); coding-DNA position 1569, G replaced by A.
Protein change: p.Gly523=; no amino-acid change (glycine 523 retained).
Molecular consequence: synonymous variant. On other transcripts: non-coding transcript variant (1).
Genome position (GRCh38, 1-based): chr6:98,875,548, C>T on the plus strand (G>A on the coding strand, the complement: FBXL4 is on the minus strand). VCF-style: chr6-98875548-C-T. GRCh37 (hg19) VCF-style: chr6-99323424-C-T.
Other names: c.1569G>A, p.Gly523= (NM_012160.5).
Identifiers: ClinVar variation 260208 (VCV000260208.14), dbSNP rs11537982, ClinGen allele CA3933419.
Genomic context (GRCh38, chr6:98,875,548, plus strand): 5'-ATTAGCTGTAAGAAAGAGTTTTTGCAAGTTTGGGAGCTGGTGTGCCAGTCTGGTGAAGCA[C>T]CCGGTGCTGCTCTGCAGAGTTGGGCACCAGCCAAGGTCAAGCTCCTCCAGTAGTGGACAC-3'
Protein context (NP_001265645.1, residues 513-533): GWCPTLQSST[Gly523=]CFTRLAHQLP

ClinVar aggregate classification (germline): Benign. Review status: criteria provided, multiple submitters, no conflicts (2 of 4 stars). 6 submissions from 6 submitters: Benign (5). 1 of the submissions does not count toward it. Last evaluated 2026-02-04.

Conditions:
Mitochondrial DNA depletion syndrome 13. Also called: FBXL4-Related Encephalomyopathic Mitochondrial DNA Depletion Syndrome; Mitochondrial DNA depletion syndrome 13 (encephalomyopathic type). Identifiers: Orphanet 369897, MedGen C3809592, MONDO:0014198, OMIM 615471.

Allele frequency attached by ClinVar (database versions not stated): 1000 Genomes Project 0.03874; 1000 Genomes Project 30x 0.03982; TOPMed 0.06448; gnomAD 0.06599 and 0.06744; ESP Exome Variant Server 0.06797.
gnomAD v4.1: 107,012 of 1,614,018 alleles (6.6%); highest among the groups gnomAD compares: Middle Eastern, 7.3%; 3,800 homozygotes.

Submissions (6):

Labcorp Genetics (formerly Invitae), Labcorp
Classification: Benign. Last evaluated: 2026-02-04. Review status: criteria provided, single submitter. Criteria: Invitae Variant Classification Sherloc (09022015). Collection method: clinical testing. Allele origin: germline.

Blueprint Genetics
Classification: Benign. Last evaluated: 2024-11-26. Review status: criteria provided, single submitter. Criteria: ACMG Guidelines, 2015. Collection method: clinical testing. Allele origin: germline.

Wong Mito Lab, Molecular and Human Genetics, Baylor College of Medicine
Classification: Benign for Mitochondrial DNA depletion syndrome 13. Last evaluated: 2017-08-10. Review status: criteria provided, single submitter. Criteria: ACMG Guidelines, 2015. Collection method: reference population. Allele origin: germline.
Comment: The NM_012160.4:c.1569G>A (NP_036292.2:p.Gly523=) [GRCH38: NC_000006.12:g.98875548C>T] variant in FBXL4 gene is interpretated to be a Benign - Stand Alone based on ACMG guidelines (PMID: 25741868). This variant meets one or more of the following evidence codes reported in the ACMG-guideline. BA1:Minor allele frequency is too high for the Mitochondrial DNA depletion syndrome 13. BS2:Observation of the variant is in controls is inconsistent with penetrance of Mitochondrial DNA depletion syndrome 13. BP4:Computational evidence/predictors indicate no impact on the FBXL4 structure, function, or protein-protein interaction. Based on this evidence code ClinGen Pathogenicity Calculator (PMID:28081714) suggested that the variant is Benign - Stand Alone.

GeneDx
Classification: Benign. Last evaluated: 2015-12-04. Review status: criteria provided, single submitter. Criteria: GeneDx Variant Classification (06012015). Collection method: clinical testing. Allele origin: germline. Affected: yes.
Comment: This variant is considered likely benign or benign based on one or more of the following criteria: it is a conservative change, it occurs at a poorly conserved position in the protein, it is predicted to be benign by multiple in silico algorithms, and/or has population frequency not consistent with disease.

PreventionGenetics, part of Exact Sciences
Classification: Benign. Review status: criteria provided, single submitter. Criteria: ACMG Guidelines, 2015. Collection method: clinical testing. Allele origin: germline.

Mayo Clinic Laboratories, Mayo Clinic
Classification: Benign. Last evaluated: 2016-02-15. Review status: no assertion criteria provided. Collection method: clinical testing. Allele origin: unknown. Not counted in ClinVar's aggregate classification.